The following is an entry in ClinVar:

NM_016239.4(MYO15A):c.8158G>A (p.Asp2720Asn)

Gene: MYO15A (myosin XVA; plus strand). Cytogenetic location: 17p11.2.
Variant type: single nucleotide variant.
Coding change: c.8158G>A on transcript NM_016239.4 (MANE Select); coding-DNA position 8158, G replaced by A.
Protein change: p.Asp2720Asn; replaces aspartic acid 2720 with asparagine.
Molecular consequence: missense variant.
Genome position (GRCh38, 1-based): chr17:18,154,689, G>A. VCF-style: chr17-18154689-G-A. GRCh37 (hg19) VCF-style: chr17-18058003-G-A.
Other names: short protein forms D2720N.
Identifiers: ClinVar variation 3383946 (VCV003383946.7).

ClinVar aggregate classification (germline): Conflicting classifications of pathogenicity. Review status: criteria provided, conflicting classifications (1 of 4 stars). 5 submissions from 5 submitters: Likely pathogenic (3); Uncertain significance (1). 1 of the submissions does not count toward it. Last evaluated 2026-02-11.

Conditions:
Autosomal recessive nonsyndromic hearing loss 3. Also called: NEUROSENSORY NONSYNDROMIC RECESSIVE DEAFNESS 3. Identifiers: Orphanet 90636, MedGen C1838263, MONDO:0010860, OMIM 600316.

gnomAD v4.1: 9 of 1,613,374 alleles (0.00056%); highest among the groups gnomAD compares: East Asian, 0.011%; no homozygotes.

Submissions (5):

GeneDx
Classification: Likely pathogenic. Last evaluated: 2026-02-11. Review status: criteria provided, single submitter. Criteria: GeneDx Variant Classification Process June 2021. Collection method: clinical testing. Allele origin: germline.
Comment: In silico analysis supports that this missense variant has a deleterious effect on protein structure/function; Not observed at significant frequency in large population cohorts (gnomAD); This variant is associated with the following publications: (PMID: 27573290, 30953472, 39663698, 34974475, 34599366, 31992338)

Labcorp Genetics (formerly Invitae), Labcorp
Classification: Uncertain significance. Last evaluated: 2024-10-28. Review status: criteria provided, single submitter. Criteria: Invitae Variant Classification Sherloc (09022015). Collection method: clinical testing. Allele origin: germline.
Comment: This sequence change replaces aspartic acid, which is acidic and polar, with asparagine, which is neutral and polar, at codon 2720 of the MYO15A protein (p.Asp2720Asn). This variant is present in population databases (no rsID available, gnomAD 0.006%). This missense change has been observed in individuals with hearing loss (PMID: 27573290, 34974475). Invitae Evidence Modeling of protein sequence and biophysical properties (such as structural, functional, and spatial information, amino acid conservation, physicochemical variation, residue mobility, and thermodynamic stability) has been performed for this missense variant. However, the output from this modeling did not meet the statistical confidence thresholds required to predict the impact of this variant on MYO15A protein function. In summary, the available evidence is currently insufficient to determine the role of this variant in disease. Therefore, it has been classified as a Variant of Uncertain Significance.

Women's Health and Genetics/Laboratory Corporation of America, LabCorp
Classification: Likely pathogenic for Autosomal recessive nonsyndromic hearing loss 3. Last evaluated: 2024-10-09. Review status: criteria provided, single submitter. Criteria: LabCorp Variant Classification Summary - May 2015. Collection method: clinical testing. Allele origin: germline.
Comment: Variant summary: MYO15A c.8158G>A (p.Asp2720Asn) results in a conservative amino acid change in the encoded protein sequence. Four of five in-silico tools predict a damaging effect of the variant on protein function. The variant allele was found at a frequency of 4e-06 in 249042 control chromosomes. c.8158G>A has been reported in the literature in individuals affected with Autosomal Recessive Nonsyndromic Hearing Loss (e.g. Naz_2017, Yu_2020, Chen_2022). These data indicate that the variant is likely to be associated with disease. To our knowledge, no experimental evidence demonstrating an impact on protein function has been reported. The following publications have been ascertained in the context of this evaluation (PMID: 34974475, 27573290, 31992338). No submitters have cited clinical-significance assessments for this variant to ClinVar. Based on the evidence outlined above, the variant was classified as likely pathogenic.

Juno Genomics, Hangzhou Juno Genomics, Inc
Classification: Likely pathogenic for Autosomal recessive nonsyndromic hearing loss 3. Review status: criteria provided, single submitter. Criteria: ACMG Guidelines, 2015. Collection method: clinical testing. Allele origin: germline.
Comment: Absent from controls (or at extremely low frequency if recessive) in Genome Aggregation Database.;Multiple lines of computational evidence support a deleterious effect on the gene or gene product.;For recessive disorders, detected in trans with a pathogenic variant.

Wonkam Laboratory, Johns Hopkins University
Classification: Pathogenic for Autosomal recessive nonsyndromic hearing loss 3. Last evaluated: 2024-01-06. Review status: no assertion criteria provided. Collection method: research. Allele origin: unknown. Inheritance: Autosomal recessive inheritance. Affected: yes. Observed: 2 variant alleles. Not counted in ClinVar's aggregate classification.
Comment: The variant NM_016239.3 c.8158G is reported in reputable source (Pubmed) recently reports variant as pathogenic (PP5), located in a mutational hot spot and/or critical and well-established functional domain (PM1), Absent from controls (or at extremely low frequency if recessive) in Exome Sequencing Project, 1000 Genomes Project, or Exome Aggregation Consortium (PM2), Cosegregation with disease in multiple affected family members in a gene definitively known to cause the disease (PP1), Multiple lines of computational evidence support a deleterious effect on the gene or gene product (PP3), Patient's phenotype or family history is highly specific for a disease with a single genetic etiology (PP4)

Literature cited by the submitters: PubMed 27573290 (cited by Labcorp Genetics (formerly Invitae), Labcorp and Women's Health and Genetics/Laboratory Corporation of America, LabCorp); PubMed 34974475 (cited by Labcorp Genetics (formerly Invitae), Labcorp and Women's Health and Genetics/Laboratory Corporation of America, LabCorp); PubMed 31992338 (cited by Women's Health and Genetics/Laboratory Corporation of America, LabCorp and Wonkam Laboratory, Johns Hopkins University); PubMed 30953472 (cited by Wonkam Laboratory, Johns Hopkins University).